The following is an entry in ClinVar:

ClinVar aggregate classification (germline): Conflicting classifications of pathogenicity. Review status: criteria provided, conflicting classifications (1 of 4 stars). 12 submissions from 12 submitters: Uncertain significance (5); Benign (1); Likely benign (2). 4 of the submissions do not count toward it. Last evaluated 2026-09-01.

Conditions:
Werner syndrome (WRN). Identifiers: Orphanet 902, MedGen C0043119, MONDO:0010196, OMIM 277700.

Allele frequency attached by ClinVar (database versions not stated): 1000 Genomes Project 30x 0.00078; 1000 Genomes Project 0.00080; gnomAD 0.00132; TOPMed 0.00146; ESP Exome Variant Server 0.00223.
gnomAD v4.1: 3,148 of 1,614,126 alleles (0.2%); highest among the groups gnomAD compares: Non-Finnish European, 0.24%; 2 homozygotes.

Submissions (12):

CeGaT Center for Human Genetics Tuebingen
Classification: Likely benign. Last evaluated: 2026-09-01. Review status: criteria provided, single submitter. Criteria: CeGaT Center For Human Genetics Tuebingen Variant Classification Criteria Version 2. Collection method: clinical testing. Allele origin: germline. Affected: yes. Observed: 2 variant alleles.
Comment: WRN: BP4, BS1:Supporting

Labcorp Genetics (formerly Invitae), Labcorp
Classification: Benign for Werner syndrome. Last evaluated: 2026-01-28. Review status: criteria provided, single submitter. Criteria: Invitae Variant Classification Sherloc (09022015). Collection method: clinical testing. Allele origin: germline.

Mayo Clinic Laboratories, Mayo Clinic
Classification: Uncertain significance. Last evaluated: 2022-03-22. Review status: criteria provided, single submitter. Criteria: ACMG Guidelines, 2015. Collection method: clinical testing. Allele origin: germline. Observed: 24 variant alleles.
Comment: BP4

GeneDx
Classification: Likely benign. Last evaluated: 2020-03-23. Review status: criteria provided, single submitter. Criteria: GeneDx Variant Classification Process June 2021. Collection method: clinical testing. Allele origin: germline. Affected: yes.
Comment: This variant is associated with the following publications: (PMID: 24728327)

Baylor Genetics
Classification: Uncertain significance for Werner syndrome. Last evaluated: 2020-01-13. Review status: criteria provided, single submitter. Criteria: ACMG Guidelines, 2015. Collection method: clinical testing. Allele origin: unknown. Affected: yes. Study: CSER-TexasKidsCanSeq.
Comment: This variant was determined to be of uncertain significance according to ACMG Guidelines, 2015 [PMID:25741868].

Fulgent Genetics
Classification: Uncertain significance for Werner syndrome. Last evaluated: 2018-10-31. Review status: criteria provided, single submitter. Criteria: ACMG Guidelines, 2015. Collection method: clinical testing. Allele origin: unknown.

Illumina Laboratory Services, Illumina
Classification: Uncertain significance for Werner syndrome. Last evaluated: 2018-01-12. Review status: criteria provided, single submitter. Criteria: ICSL Variant Classification Criteria 13 December 2019. Collection method: clinical testing. Allele origin: germline.

Eurofins Ntd Llc (ga)
Classification: Uncertain significance. Last evaluated: 2017-06-05. Review status: criteria provided, single submitter. Criteria: EGL Classification Definitions 2015. Collection method: clinical testing. Allele origin: germline. Observed: 1 variant allele, 1 heterozygote.

ITMI
No classification provided. Condition: AllHighlyPenetrant. Last evaluated: 2013-09-19. Review status: no classification provided. Collection method: reference population. Allele origin: germline. Not counted in ClinVar's aggregate classification.
Comment: Please see associated publication for description of ethnicities

Clinical Genetics DNA and cytogenetics Diagnostics Lab, Erasmus MC, Erasmus Medical Center
Classification: Likely benign. Review status: no assertion criteria provided. Collection method: clinical testing. Allele origin: germline. Affected: yes. Study: VKGL Data-share Consensus. Not counted in ClinVar's aggregate classification.

Genome Diagnostics Laboratory, Amsterdam University Medical Center
Classification: Likely benign. Review status: no assertion criteria provided. Collection method: clinical testing. Allele origin: germline. Affected: yes. Study: VKGL Data-share Consensus. Not counted in ClinVar's aggregate classification.

Genome Diagnostics Laboratory, University Medical Center Utrecht
Classification: Likely benign. Review status: no assertion criteria provided. Collection method: clinical testing. Allele origin: germline. Affected: yes. Study: VKGL Data-share Consensus. Not counted in ClinVar's aggregate classification.

Literature cited by the submitters: PubMed 24728327 (cited by ITMI).

NM_000553.6(WRN):c.3875C>A (p.Ser1292Tyr)

Gene: WRN (WRN RecQ like helicase; plus strand). Cytogenetic location: 8p12.
Variant type: single nucleotide variant.
Coding change: c.3875C>A on transcript NM_000553.6 (MANE Select); coding-DNA position 3875, C replaced by A.
Protein change: p.Ser1292Tyr; replaces serine 1292 with tyrosine.
Molecular consequence: missense variant.
Genome position (GRCh38, 1-based): chr8:31,157,423, C>A. VCF-style: chr8-31157423-C-A. GRCh37 (hg19) VCF-style: chr8-31014939-C-A.
Other names: p.Ser1292Tyr; short protein forms S1292Y.
Identifiers: ClinVar variation 135437 (VCV000135437.28), dbSNP rs142614369, ClinGen allele CA162761.